The following is an entry in ClinVar:

NM_020686.6(ABAT):c.442C>T (p.Leu148Phe)

Gene: ABAT (4-aminobutyrate aminotransferase; plus strand). Cytogenetic location: 16p13.2.
Variant type: single nucleotide variant.
Coding change: c.442C>T on transcript NM_020686.6 (MANE Select); coding-DNA position 442, C replaced by T.
Protein change: p.Leu148Phe; replaces leucine 148 with phenylalanine.
Molecular consequence: missense variant.
Genome position (GRCh38, 1-based): chr16:8,764,144, C>T. VCF-style: chr16-8764144-C-T. GRCh37 (hg19) VCF-style: chr16-8858001-C-T.
Other names: c.442C>T, p.Leu148Phe (NM_000663.5, NM_001127448.2, NM_001386600.1 and 10 more transcripts); c.307C>T, p.Leu103Phe (NM_001386610.1, NM_001386611.1, NM_001386612.1 and 1 more transcripts); c.196C>T, p.Leu66Phe (NM_001386614.1); c.538C>T, p.Leu180Phe (NM_001386615.1); short protein forms L180F, L66F, L103F, L148F.
Identifiers: ClinVar variation 2142104 (VCV002142104.4), dbSNP rs2549070234, ClinGen allele CA394688289.

ClinVar aggregate classification (germline): Uncertain significance (1 of 4 stars; one submission).

Conditions:
Gamma-aminobutyric acid transaminase deficiency (GABATD). Also called: GABA transaminase deficiency; Gamma aminobutyrate transaminase deficiency; 4 alpha aminobutyrate transaminase deficiency; GABA aminotransaminase deficiency. Identifiers: Orphanet 2066, MedGen C0342708, MONDO:0013166, OMIM 613163.

gnomAD v4.1: 6 of 1,613,312 alleles (0.00037%); highest among the groups gnomAD compares: Non-Finnish European, 0.00051%; no homozygotes.

Submission:

Labcorp Genetics (formerly Invitae), Labcorp
Classification: Uncertain significance for Gamma-aminobutyric acid transaminase deficiency. Last evaluated: 2022-09-01. Review status: criteria provided, single submitter. Criteria: Invitae Variant Classification Sherloc (09022015). Collection method: clinical testing. Allele origin: germline.
Comment: This sequence change replaces leucine, which is neutral and non-polar, with phenylalanine, which is neutral and non-polar, at codon 148 of the ABAT protein (p.Leu148Phe). This variant is not present in population databases (gnomAD no frequency). This variant has not been reported in the literature in individuals affected with ABAT-related conditions. Algorithms developed to predict the effect of missense changes on protein structure and function (SIFT, PolyPhen-2, Align-GVGD) all suggest that this variant is likely to be tolerated. In summary, the available evidence is currently insufficient to determine the role of this variant in disease. Therefore, it has been classified as a Variant of Uncertain Significance.